The following is an entry in ClinVar:

ClinVar aggregate classification (germline): Likely benign. Review status: criteria provided, multiple submitters, no conflicts (2 of 4 stars). 3 submissions from 3 submitters: Likely benign (2). 1 of the submissions does not count toward it. Last evaluated 2026-01-14.

Conditions:
Schimke immuno-osseous dysplasia (SIOD). Also called: Schimke Immunoosseous Dysplasia. Identifiers: Orphanet 1830, MedGen C0877024, MONDO:0009458, OMIM 242900.

Allele frequency attached by ClinVar (database versions not stated): ExAC 0.00004; gnomAD exomes 0.00005; ESP Exome Variant Server 0.00015.
gnomAD v4.1: 133 of 1,614,086 alleles (0.0082%); highest among the groups gnomAD compares: Non-Finnish European, 0.0099%; no homozygotes.

Submissions (4):

Labcorp Genetics (formerly Invitae), Labcorp
Classification: Likely benign for Schimke immuno-osseous dysplasia. Last evaluated: 2026-01-14. Review status: criteria provided, single submitter. Criteria: Invitae Variant Classification Sherloc (09022015). Collection method: clinical testing. Allele origin: germline.

Mayo Clinic Laboratories, Mayo Clinic
Classification: Likely benign. Last evaluated: 2025-05-16. Review status: criteria provided, single submitter. Criteria: ACMG Guidelines, 2015. Collection method: clinical testing. Allele origin: germline. Observed: 1 variant allele.
Comment: BP4, BP7

Natera, Inc.
Classification: Uncertain significance for Schimke immuno-osseous dysplasia. Last evaluated: 2019-11-11. Review status: no assertion criteria provided. Collection method: clinical testing. Allele origin: germline. Not counted in ClinVar's aggregate classification.

Dr. Peter K. Rogan Lab, Western University
No classification provided (evidence only). Condition: Lung cancer. Review status: no classification provided. Collection method: in vitro. Allele origin: not applicable. Functional consequence: retained intron. Not counted in ClinVar's aggregate classification.

NM_014140.4(SMARCAL1):c.735C>T (p.Gly245=)

Gene: SMARCAL1 (SNF2 related chromatin remodeling annealing helicase 1; plus strand). Cytogenetic location: 2q35.
Variant type: single nucleotide variant.
Coding change: c.735C>T on transcript NM_014140.4 (MANE Select); coding-DNA position 735, C replaced by T.
Protein change: p.Gly245=; no amino-acid change (glycine 245 retained).
Molecular consequence: synonymous variant.
Genome position (GRCh38, 1-based): chr2:216,415,439, C>T. VCF-style: chr2-216415439-C-T. GRCh37 (hg19) VCF-style: chr2-217280162-C-T.
Other names: p.Gly245=; c.735C>T, p.Gly245= (NM_001127207.2).
Identifiers: ClinVar variation 532003 (VCV000532003.8), dbSNP rs149510554, ClinGen allele CA2097648.